The following is an entry in ClinVar:

ClinVar aggregate classification (germline): Uncertain significance. Review status: criteria provided, single submitter (1 of 4 stars). 2 submissions from 2 submitters: Uncertain significance (1). 1 of the submissions does not count toward it. Last evaluated 2025-10-23.

Conditions:
KIAA0232-related disorder. Also called: KIAA0232-related condition.

Allele frequency attached by ClinVar (database versions not stated): TOPMed 0.00078; gnomAD 0.00081; 1000 Genomes Project 0.00260; ExAC 0.00023; gnomAD exomes 0.00008; ESP Exome Variant Server 0.00076; 1000 Genomes Project 30x 0.00265.
gnomAD v4.1: 238 of 1,614,160 alleles (0.015%); highest among the groups gnomAD compares: African/African-American, 0.3%; no homozygotes.

Submissions (2):

Ambry Genetics
Classification: Uncertain significance. Last evaluated: 2025-10-23. Review status: criteria provided, single submitter. Criteria: Ambry Variant Classification Scheme 2023. Collection method: clinical testing. Allele origin: germline.

PreventionGenetics, part of Exact Sciences
Classification: Likely benign for KIAA0232-related condition. Last evaluated: 2022-05-17. Review status: no assertion criteria provided. Collection method: clinical testing. Allele origin: germline. Not counted in ClinVar's aggregate classification.
Comment: This variant is classified as likely benign based on ACMG/AMP sequence variant interpretation guidelines (Richards et al. 2015 PMID: 25741868, with internal and published modifications).

NM_014743.3(KIAA0232):c.3688T>G (p.Cys1230Gly)

Gene: KIAA0232 (KIAA0232; plus strand). Cytogenetic location: 4p16.1.
Variant type: single nucleotide variant.
Coding change: c.3688T>G on transcript NM_014743.3 (MANE Select); coding-DNA position 3688, T replaced by G.
Protein change: p.Cys1230Gly; replaces cysteine 1230 with glycine.
Molecular consequence: missense variant.
Genome position (GRCh38, 1-based): chr4:6,864,070, T>G. VCF-style: chr4-6864070-T-G. GRCh37 (hg19) VCF-style: chr4-6865797-T-G.
Other names: c.3688T>G (NM_014743.2); c.3688T>G, p.Cys1230Gly (NM_001100590.2); short protein forms C1230G.
Identifiers: ClinVar variation 3047482 (VCV003047482.3), dbSNP rs146753584, ClinGen allele CA2842758.